The following is an entry in ClinVar:

NM_144672.4(OTOA):c.1253A>G (p.Asn418Ser)

Gene: OTOA (otoancorin). Cytogenetic location: 16p12.2.
Variant type: single nucleotide variant.
Coding change: c.1253A>G on transcript NM_144672.4 (MANE Select); coding-DNA position 1253, A replaced by G.
Protein change: p.Asn418Ser; replaces asparagine 418 with serine.
Molecular consequence: missense variant.
Genome position (GRCh38, 1-based): chr16:21,710,036, A>G. VCF-style: chr16-21710036-A-G. GRCh37 (hg19) VCF-style: chr16-21721357-A-G.
Other names: c.1016A>G, p.Asn339Ser (NM_001161683.2); c.281A>G, p.Asn94Ser (NM_170664.3); short protein forms N339S, N418S, N94S.
Identifiers: ClinVar variation 3025895 (VCV003025895.22), dbSNP rs1898308694, ClinGen allele CA395062622.

ClinVar aggregate classification (germline): Uncertain significance (1 of 4 stars; one submission).

Allele frequency attached by ClinVar (database versions not stated): gnomAD exomes below 0.00001.
gnomAD v4.1: 1 of 1,613,966 alleles (0.000062%); highest among the groups gnomAD compares: Non-Finnish European, 0.000085%; no homozygotes.

Submission:

CeGaT Center for Human Genetics Tuebingen
Classification: Uncertain significance. Last evaluated: 2024-01-01. Review status: criteria provided, single submitter. Criteria: CeGaT Center For Human Genetics Tuebingen Variant Classification Criteria Version 2. Collection method: clinical testing. Allele origin: germline. Affected: yes. Observed: 1 variant allele.
Comment: OTOA: PM2, BP4